The following is an entry in ClinVar:

NM_001202.6(BMP4):c.813C>T (p.Leu271=)

Gene: BMP4 (bone morphogenetic protein 4; minus strand). Cytogenetic location: 14q22.2.
Variant type: single nucleotide variant.
Coding change: c.813C>T on transcript NM_001202.6 (MANE Select); coding-DNA position 813, C replaced by T.
Protein change: p.Leu271=; no amino-acid change (leucine 271 retained).
Molecular consequence: synonymous variant.
Genome position (GRCh38, 1-based): chr14:53,950,446, G>A on the plus strand (C>T on the coding strand, the complement: BMP4 is on the minus strand). VCF-style: chr14-53950446-G-A. GRCh37 (hg19) VCF-style: chr14-54417164-G-A.
Other names: c.954C>T, p.Leu318= (NM_001347912.1); c.624C>T, p.Leu208= (NM_001347913.2, NM_001347915.2, NM_001347917.1); c.813C>T, p.Leu271= (NM_001347914.2, NM_001347916.1, NM_130850.5 and 1 more transcripts); c.813C>T (NM_001202.5).
Identifiers: ClinVar variation 2200149 (VCV002200149.6), dbSNP rs373162816, ClinGen allele CA7191675.

ClinVar aggregate classification (germline): Likely benign. Review status: criteria provided, single submitter (1 of 4 stars). 2 submissions from 2 submitters: Likely benign (1). 1 of the submissions does not count toward it. Last evaluated 2022-08-22.

Conditions:
BMP4-related disorder. Also called: BMP4-related condition.
Microphthalmia with brain and digit anomalies (MCOPS6). Also called: Microphthalmia, syndromic 6; MICROPHTHALMIA AND PITUITARY ANOMALIES. Identifiers: Orphanet 139471, MedGen C1864689, MONDO:0011936, OMIM 607932.
Orofacial cleft 11 (OFC11). Also called: Orofacial cleft 11; ofc11; CLEFT LIP WITH OR WITHOUT CLEFT PALATE, NONSYNDROMIC, 11. Identifiers: MedGen C2677434, MONDO:0010906, OMIM 600625.

Allele frequency attached by ClinVar (database versions not stated): TOPMed below 0.00001; gnomAD 0.00001; gnomAD exomes 0.00001; ExAC 0.00005; ESP Exome Variant Server 0.00008.

Submissions (2):

Labcorp Genetics (formerly Invitae), Labcorp
Classification: Likely benign for Microphthalmia with brain and digit anomalies; Orofacial cleft 11. Last evaluated: 2022-08-22. Review status: criteria provided, single submitter. Criteria: Invitae Variant Classification Sherloc (09022015). Collection method: clinical testing. Allele origin: germline.

PreventionGenetics, part of Exact Sciences
Classification: Likely benign for BMP4-related condition. Last evaluated: 2022-08-08. Review status: no assertion criteria provided. Collection method: clinical testing. Allele origin: germline. Not counted in ClinVar's aggregate classification.
Comment: This variant is classified as likely benign based on ACMG/AMP sequence variant interpretation guidelines (Richards et al. 2015 PMID: 25741868, with internal and published modifications).